The following is an entry in ClinVar:

NC_000016.10:g.(?_23603313)_(23626407_?)del

Gene: PALB2 (partner and localizer of BRCA2; minus strand). Cytogenetic location: 16p12.2.
Variant type: Deletion.
Identifiers: ClinVar variation 832080 (VCV000832080.6).

ClinVar aggregate classification (germline): Pathogenic (1 of 4 stars; one submission).

Conditions:
Familial cancer of breast. Also called: BREAST CANCER, FAMILIAL; Hereditary breast cancer; hereditary breast carcinoma. Identifiers: Orphanet 227535, MedGen C0346153, MONDO:0016419, OMIM 114480. Disease mechanism: loss of function.

Submission:

Labcorp Genetics (formerly Invitae), Labcorp
Classification: Pathogenic for Familial cancer of breast. Last evaluated: 2022-09-19. Review status: criteria provided, single submitter. Criteria: Invitae Variant Classification Sherloc (09022015). Collection method: clinical testing. Allele origin: germline.
Comment: This variant is a gross deletion of the genomic region encompassing exon(s) 7-13 of the PALB2 gene, which includes the termination codon. This deletion extends beyond the assayed region for this gene and therefore may encompass additional genes. While this deletion is not anticipated to lead to nonsense mediated decay, it is expected to alter mRNA translation or result in a truncated protein product. A similar copy number variant has been observed in individual(s) with concern for hereditary cancer (PMID: 24763289). This variant disrupts a region of the PALB2 protein in which other variant(s) (deletion of exons 12-13) have been determined to be pathogenic (PMID: 16793542, 17200671, 19423707; Invitae). This suggests that this is a clinically significant region of the protein, and that variants that disrupt it are likely to be disease-causing. For these reasons, this variant has been classified as Pathogenic.

Literature cited by the submitters: PubMed 24763289; PubMed 16793542; PubMed 17200671; PubMed 19423707.